The following is an entry in ClinVar:

NM_000238.4(KCNH2):c.2758del (p.Arg920fs)

Gene: KCNH2 (potassium voltage-gated channel subfamily H member 2; minus strand). Cytogenetic location: 7q36.1.
Variant type: Deletion.
Coding change: c.2758del on transcript NM_000238.4 (MANE Select); coding-DNA position 2758, one base deleted (C; older notation c.2758delC).
Protein change: p.Arg920fs; shifts the reading frame from arginine 920.
Molecular consequence: frameshift variant.
Genome position (GRCh38, 1-based): chr7:150,947,813, G deleted on the plus strand (C on the coding strand, the reverse complement: KCNH2 is on the minus strand); the first of 2 consecutive G bases (chr7:150,947,813-150,947,814); deleting either gives the same sequence. VCF-style (leftmost placement, unchanged base first): chr7-150947812-CG-C. GRCh37 (hg19) VCF-style: chr7-150644900-CG-C.
Other names: c.2758delC (NM_000238.3); c.2470del, p.Arg824fs (NM_001406753.1); c.1738del, p.Arg580fs (NM_172057.3); short protein forms R920fs, R580fs, R824fs.
Identifiers: ClinVar variation 4992206 (VCV004992206.1).
Genomic context (GRCh38, chr7:150,947,812, plus strand): 5'-CTCTCAGGGCTGGAGGGGCCACTGGACGGGCTCTCCCCCCACGGCCCCCCCGGCCGGCCC[CG>C]GCTACTCGGCCCTGCCCCCGCCCGGCCCGGCCCCAAGGCCGACACCTCCCCTGGCTGCTC-3'

ClinVar aggregate classification (germline): Likely pathogenic (1 of 4 stars; one submission).

Conditions:
KCNH2-related disorder. Also called: KCNH2-related condition; KCNH2-related disorders.

Submission:

PreventionGenetics, part of Exact Sciences
Classification: Likely pathogenic for KCNH2-related condition. Last evaluated: 2025-11-07. Review status: criteria provided, single submitter. Criteria: ACMG Guidelines, 2015. Collection method: clinical testing. Allele origin: germline.
Comment: The KCNH2 c.2758delC variant is predicted to result in a frameshift and premature protein termination (p.Arg920Glyfs*54). To our knowledge, this variant has not been reported in the literature or in a large population database (gnomAD), indicating this variant is rare. Frameshift variants in KCNH2 are expected to be pathogenic. This variant is interpreted as likely pathogenic.